The following is an entry in ClinVar:

NM_000719.7(CACNA1C):c.1701C>G (p.Phe567Leu)

Gene: CACNA1C (calcium voltage-gated channel subunit alpha1 C; plus strand). Cytogenetic location: 12p13.33.
Variant type: single nucleotide variant.
Coding change: c.1701C>G on transcript NM_000719.7 (MANE Select); coding-DNA position 1701, C replaced by G.
Protein change: p.Phe567Leu; replaces phenylalanine 567 with leucine.
Molecular consequence: missense variant.
Genome position (GRCh38, 1-based): chr12:2,567,600, C>G. VCF-style: chr12-2567600-C-G. GRCh37 (hg19) VCF-style: chr12-2676766-C-G.
Other names: c.1701C>G, p.Phe567Leu (NM_001129827.2, NM_001129829.2, NM_001129830.3 and 18 more transcripts); c.1692C>G, p.Phe564Leu (NM_001129844.2); short protein forms F564L, F567L.
Identifiers: ClinVar variation 4292479 (VCV004292479.1).

ClinVar aggregate classification (germline): Likely pathogenic (1 of 4 stars; one submission).

Conditions:
Neurodevelopmental disorder with hypotonia, language delay, and skeletal defects with or without seizures (NEDHLSS). Identifiers: MedGen C5774213, MONDO:0859286, OMIM 620029.

Submission:

3billion
Classification: Likely pathogenic for Neurodevelopmental disorder with hypotonia, language delay, and skeletal defects with or without seizures. Last evaluated: 2024-12-05. Review status: criteria provided, single submitter. Criteria: ACMG Guidelines, 2015. Collection method: clinical testing. Allele origin: germline. Affected: yes.
Comment: The variant is not observed in the gnomAD v4.1.0 dataset. Predicted Consequence/Location: Missense variant. Missense changes are a common disease-causing mechanism. In silico tool predictions suggest damaging effect of the variant on gene or gene product [REVEL: 0.95 (>=0.6, sensitivity 0.68 and specificity 0.92)]. Therefore, this variant is classified as Likely pathogenic according to the recommendation of ACMG/AMP guideline.